The following is an entry in ClinVar:

ClinVar aggregate classification (germline): Likely benign. Review status: criteria provided, multiple submitters, no conflicts (2 of 4 stars). 3 submissions from 3 submitters: Likely benign (3). Last evaluated 2025-09-14.

Conditions:
C1QTNF5-related disorder. Also called: C1QTNF5-related condition.

Submissions (3):

Labcorp Genetics (formerly Invitae), Labcorp
Classification: Likely benign. Last evaluated: 2025-09-14. Review status: criteria provided, single submitter. Criteria: Invitae Variant Classification Sherloc (09022015). Collection method: clinical testing. Allele origin: germline.

Blueprint Genetics
Classification: Likely benign. Last evaluated: 2024-10-25. Review status: criteria provided, single submitter. Criteria: ACMG Guidelines, 2015. Collection method: clinical testing. Allele origin: germline.

PreventionGenetics, part of Exact Sciences
Classification: Likely benign for C1QTNF5-related condition. Last evaluated: 2024-10-21. Review status: criteria provided, single submitter. Criteria: ACMG Guidelines, 2015. Collection method: clinical testing. Allele origin: germline.
Comment: This variant is classified as likely benign based on ACMG/AMP sequence variant interpretation guidelines (Richards et al. 2015 PMID: 25741868, with internal and published modifications).

NM_001278431.2(C1QTNF5):c.63CAA[1] (p.Asn22del)

Genes: C1QTNF5 (C1q and TNF related 5; minus strand), MFRP (membrane frizzled-related protein; minus strand). Cytogenetic location: 11q23.3.
Variant type: Microsatellite.
Coding change: c.63CAA[1] on transcript NM_001278431.2 (MANE Select); one copy of the 3-base unit CAA starting at c.63; the reference has two copies in a row; one copy, 3 bases deleted.
Protein change: p.Asn22del; deletes asparagine 22.
Molecular consequence: inframe deletion. On other transcripts: 3 prime UTR variant (1).
Genome position (GRCh38, 1-based): chr11:119,340,330-119,340,332, TTG deleted on the plus strand (CAA on the coding strand, the reverse complement: C1QTNF5 is on the minus strand); deleting any 3 consecutive bases within chr11:119,340,330-119,340,336 gives the same sequence; the position shown is the placement nearest the transcript's 3' end. VCF-style (leftmost placement, unchanged base first): chr11-119340329-CTTG-C. GRCh37 (hg19) VCF-style: chr11-119211039-CTTG-C.
Other names: c.66_68delCAA (NM_001278431.1); c.63CAA[1], p.Asn22del (NM_015645.5); c.*959CAA[1] (NM_031433.4); short protein forms N22del.
Identifiers: ClinVar variation 1101517 (VCV001101517.11), dbSNP rs773046530, ClinGen allele CA6320004.
Genomic context (GRCh38, chr11:119,340,329, plus strand): 5'-GCTGCCATGGTGGCCCGGCGTGCCTGGAAGGCCGGGGTGCCCCGGGCAGAGGCTGGGGAT[CTTG>C]TTGTCGTCCAGTGGGGGCGAGCCGGCCGCCAGGCCCAGGAGCAGCAGGACGAGGAGTGGC-3'